The following is an entry in ClinVar:

NM_000414.4(HSD17B4):c.947_948del (p.Ala316fs)

Gene: HSD17B4 (hydroxysteroid 17-beta dehydrogenase 4; plus strand). Cytogenetic location: 5q23.1.
Variant type: Deletion.
Coding change: c.947_948del on transcript NM_000414.4 (MANE Select); coding-DNA positions 947 to 948, 2 bases deleted (CA; older notation c.947_948delCA).
Protein change: p.Ala316fs; shifts the reading frame from alanine 316.
Molecular consequence: frameshift variant. On other transcripts: non-coding transcript variant (2).
Genome position (GRCh38, 1-based): chr5:119,496,621-119,496,622, CA deleted. VCF-style (leftmost placement, unchanged base first): chr5-119496620-GCA-G. GRCh37 (hg19) VCF-style: chr5-118832315-GCA-G.
Other names: c.1022_1023del, p.Ala341fs (NM_001199291.3); c.893_894del, p.Ala298fs (NM_001199292.2); c.875_876del, p.Ala292fs (NM_001292027.2); c.527_528del, p.Ala176fs (NM_001292028.2); c.938_939del, p.Ala313fs (NM_001374497.1); c.947_948del, p.Ala316fs (NM_001374498.1); c.620_621del, p.Ala207fs (NM_001374499.1); c.506_507del, p.Ala169fs (NM_001374500.1); and 1 more; short protein forms A169fs, A176fs, A179fs, A207fs, A292fs, A298fs, A313fs, A316fs.
Identifiers: ClinVar variation 1726033 (VCV001726033.3), dbSNP rs2531723728, ClinGen allele CA2580072420.

ClinVar aggregate classification (germline): Likely pathogenic (1 of 4 stars; one submission).

Conditions:
Bifunctional peroxisomal enzyme deficiency (DBIF). Also called: DBP DEFICIENCY; PBFE DEFICIENCY; D-bifunctional protein deficiency. Identifiers: Orphanet 300, MedGen C0342870, MONDO:0009855, OMIM 261515. Disease mechanism: loss of function.

Submission:

Myriad Genetics, Inc.
Classification: Likely pathogenic for Bifunctional peroxisomal enzyme deficiency. Last evaluated: 2022-05-08. Review status: criteria provided, single submitter. Criteria: Myriad Autosomal Dominant, Autosomal Recessive and X-Linked Classification Criteria (2023). Collection method: clinical testing. Allele origin: unknown.
Comment: NM_000414.3(HSD17B4):c.947_948delCA(A316Dfs*50) is expected to be pathogenic in the context of HSD17B4-related disorders. This variant is predicted to lead to an abnormal or absent protein product due to the creation of a premature termination codon in HSD17B4, a gene where loss-of-function variants are known to be pathogenic. Please note: this variant was assessed in the context of healthy population screening.